The following is an entry in ClinVar:

NM_000829.4(GRIA4):c.1174G>A (p.Asp392Asn)

Gene: GRIA4 (glutamate ionotropic receptor AMPA type subunit 4; plus strand). Cytogenetic location: 11q22.3.
Variant type: single nucleotide variant.
Coding change: c.1174G>A on transcript NM_000829.4 (MANE Select); coding-DNA position 1174, G replaced by A.
Protein change: p.Asp392Asn; replaces aspartic acid 392 with asparagine.
Molecular consequence: missense variant. On other transcripts: non-coding transcript variant (1), intron variant (1).
Genome position (GRCh38, 1-based): chr11:105,910,450, G>A. VCF-style: chr11-105910450-G-A. GRCh37 (hg19) VCF-style: chr11-105781176-G-A.
Other names: c.1174G>A, p.Asp392Asn (NM_001077243.3, NM_001077244.2, NM_001112812.2 and 19 more transcripts); c.1158+5149G>A (NM_001440399.1); short protein forms D392N.
Identifiers: ClinVar variation 4686913 (VCV004686913.1).

ClinVar aggregate classification (germline): Uncertain significance (1 of 4 stars; one submission).

Submission:

GeneDx
Classification: Uncertain significance. Last evaluated: 2025-07-24. Review status: criteria provided, single submitter. Criteria: GeneDx Variant Classification Process June 2021. Collection method: clinical testing. Allele origin: germline. Affected: yes.
Comment: Not observed at significant frequency in large population cohorts (gnomAD); In silico analysis supports that this missense variant has a deleterious effect on protein structure/function; Has not been previously published as pathogenic or benign to our knowledge